The following is an entry in ClinVar:

NC_000009.12:g.70809995G>A

Genes: MIR204 (microRNA 204; minus strand), TRPM3 (transient receptor potential cation channel subfamily M member 3; minus strand). Cytogenetic location: 9q21.12.
Variant type: single nucleotide variant.
Molecular consequence: intron variant (on NM_001366145.2). On other transcripts: non-coding transcript variant (1).
Genome position: GRCh38 VCF-style: chr9-70809995-G-A. GRCh37 (hg19) VCF-style: chr9-73424911-G-A.
Other names: c.979+17852C>T (NM_001366143.2, NM_001366141.2, NM_001366142.2 and 1 more transcripts); c.973+17852C>T (NM_001366150.2, NM_001366151.2, NM_001007471.4 and 4 more transcripts); c.1048+1175C>T (NM_001366148.2, NM_001366152.2, NM_001366147.2); c.514+17852C>T (NM_206944.5, NM_020952.6, NM_206945.5 and 3 more transcripts); c.589+1175C>T (NM_206947.5, NM_206946.5, NM_001007470.3).
Identifiers: ClinVar variation 1988872 (VCV001988872.4), dbSNP rs370730591, ClinGen allele CA5078766.

ClinVar aggregate classification (germline): Uncertain significance (1 of 4 stars; one submission).

Allele frequency attached by ClinVar (database versions not stated): gnomAD 0.00001; TOPMed 0.00004; ExAC 0.00005; gnomAD exomes 0.00005; ESP Exome Variant Server 0.00010.
gnomAD v4.1: 19 of 534,566 alleles (0.0036%); highest among the groups gnomAD compares: East Asian, 0.011%; no homozygotes.

Submission:

Labcorp Genetics (formerly Invitae), Labcorp
Classification: Uncertain significance. Last evaluated: 2022-09-06. Review status: criteria provided, single submitter. Criteria: Invitae Variant Classification Sherloc (09022015). Collection method: clinical testing. Allele origin: germline.
Comment: This variant occurs in the MIR204 gene, which encodes an RNA molecule that does not result in a protein product. This variant is present in population databases (rs370730591, gnomAD 0.01%). This variant has not been reported in the literature in individuals affected with MIR204-related conditions. Experimental studies and prediction algorithms are not available or were not evaluated, and the functional significance of this variant is currently unknown. In summary, the available evidence is currently insufficient to determine the role of this variant in disease. Therefore, it has been classified as a Variant of Uncertain Significance.